The following is an entry in ClinVar:

ClinVar aggregate classification (germline): Likely pathogenic (1 of 4 stars; one submission).

Conditions:
Hereditary factor VIII deficiency disease (HEMA). Also called: HEMOPHILIA, CLASSIC; AUTOSOMAL HEMOPHILIA A; Hemophilia A; Hemophilia A, congenital; HEM A; Factor 8 deficiency, congenital. Identifiers: Orphanet 98878, MedGen C0019069, MONDO:0010602, OMIM 306700.

Submission:

Myriad Genetics, Inc.
Classification: Likely pathogenic for Hereditary factor VIII deficiency disease. Last evaluated: 2025-08-21. Review status: criteria provided, single submitter. Criteria: Myriad Autosomal Dominant, Autosomal Recessive and X-Linked Classification Criteria (2023). Collection method: clinical testing. Allele origin: unknown.
Comment: NM_000132.3(F8):c.6403C>G(R2135G) is a missense variant classified as likely pathogenic in the context of hemophilia A. R2135G has been observed in cases with relevant disease (PMID: 22103590, 23913812). Relevant functional assessments of this variant are not available in the literature. R2135G has not been observed in referenced population frequency databases. In summary, NM_000132.3(F8):c.6403C>G(R2135G) is a missense variant that has been observed more frequently in cases with the relevant disease than in healthy populations. Please note: this variant was assessed in the context of healthy population screening.

Literature cited by the submitters: PubMed 22103590; PubMed 23913812.

NM_000132.4(F8):c.6403C>G (p.Arg2135Gly)

Gene: F8 (coagulation factor VIII; minus strand). Cytogenetic location: Xq28.
Variant type: single nucleotide variant.
Coding change: c.6403C>G on transcript NM_000132.4 (MANE Select); coding-DNA position 6403, C replaced by G.
Protein change: p.Arg2135Gly; replaces arginine 2135 with glycine.
Molecular consequence: missense variant.
Genome position (GRCh38, 1-based): chrX:154,896,103, G>C on the plus strand (C>G on the coding strand, the complement: F8 is on the minus strand). VCF-style: chrX-154896103-G-C. GRCh37 (hg19) VCF-style: chrX-154124378-G-C.
Other names: short protein forms R2135G.
Identifiers: ClinVar variation 5004040 (VCV005004040.1).
Genomic context (GRCh38, chrX:154,896,103, plus strand): 5'-TTCAGGCATTCCCTTTAAATGACTAATTACATACCATTAAGGTTCCAGTGGAATTTCCTC[G>C]ATAAGTCTGCCACTTCTTCCCATCAAGACTATACATGATGATAAACTGAGAGATGTAGAG-3'
Protein context (NP_000123.1, residues 2125-2145): SLDGKKWQTY[Arg2135Gly]GNSTGTLMVF